The following is an entry in ClinVar:

ClinVar aggregate classification (germline): Benign (1 of 4 stars; one submission).

Conditions:
Hereditary spastic paraplegia 6 (SPG6). Also called: SPASTIC PARAPLEGIA 6, AUTOSOMAL DOMINANT. Identifiers: Orphanet 100988, MedGen C1838192, MONDO:0010878, OMIM 600363.

Allele frequency attached by ClinVar (database versions not stated): gnomAD 0.02281 and 0.02406; TOPMed 0.02519; 1000 Genomes Project 0.02696; 1000 Genomes Project 30x 0.02936.

Submission:

Illumina Laboratory Services, Illumina
Classification: Benign for Hereditary spastic paraplegia 6. Last evaluated: 2018-01-13. Review status: criteria provided, single submitter. Criteria: ICSL Variant Classification Criteria 13 December 2019. Collection method: clinical testing. Allele origin: germline.
Comment: This variant was observed in the ICSL laboratory as part of a predisposition screen in an ostensibly healthy population. It had not been previously curated by ICSL or reported in the Human Gene Mutation Database (HGMD: prior to June 1st, 2018), and was therefore a candidate for classification through an automated scoring system. Utilizing variant allele frequency, disease prevalence and penetrance estimates, and inheritance mode, an automated score was calculated to assess if this variant is too frequent to cause the disease. Based on the score and internal cut-off values, a variant classified as benign is not then subjected to further curation. The score for this variant resulted in a classification of benign for this disease.

NM_144599.5(NIPA1):c.*2469A>G

Gene: NIPA1 (NIPA magnesium transporter 1; plus strand). Cytogenetic location: 15q11.2.
Variant type: single nucleotide variant.
Coding change: c.*2469A>G on transcript NM_144599.5 (MANE Select); 2469 bases downstream of the stop codon, A replaced by G.
Molecular consequence: 3 prime UTR variant.
Genome position (GRCh38, 1-based): chr15:22,826,708, A>G. VCF-style: chr15-22826708-A-G. GRCh37 (hg19) VCF-style: chr15-23046360-T-C.
Other names: c.*2469A>G (NM_001142275.1).
Identifiers: ClinVar variation 315377 (VCV000315377.5), dbSNP rs73412688, ClinGen allele CA10635699.